The following is an entry in ClinVar:

NM_001148.6(ANK2):c.11085G>C (p.Glu3695Asp)

Gene: ANK2 (ankyrin 2; plus strand). Cytogenetic location: 4q26.
Variant type: single nucleotide variant.
Coding change: c.11085G>C on transcript NM_001148.6 (MANE Select); coding-DNA position 11085, G replaced by C.
Protein change: p.Glu3695Asp; replaces glutamic acid 3695 with aspartic acid.
Molecular consequence: missense variant.
Genome position (GRCh38, 1-based): chr4:113,367,618, G>C. VCF-style: chr4-113367618-G-C. GRCh37 (hg19) VCF-style: chr4-114288774-G-C.
Other names: c.4803G>C, p.Glu1601Asp (NM_001127493.3); c.4842G>C, p.Glu1614Asp (NM_001354225.2); c.4731G>C, p.Glu1577Asp (NM_001354228.2, NM_001354258.2); c.4809G>C, p.Glu1603Asp (NM_001354230.2); c.4872G>C, p.Glu1624Asp (NM_001354231.2, NM_001354242.2); c.4866G>C, p.Glu1622Asp (NM_001354232.2); c.4827G>C, p.Glu1609Asp (NM_001354235.2, NM_001354246.2, NM_001354265.2); c.4728G>C, p.Glu1576Asp (NM_001354236.2); and 35 more; short protein forms E1449D, E1482D, E1510D, E1515D, E1523D, E1532D, E1535D, E1537D.
Identifiers: ClinVar variation 3220954 (VCV003220954.1), dbSNP rs1320977343, ClinGen allele CA357941932.

ClinVar aggregate classification (germline): Uncertain significance (1 of 4 stars; one submission).

Conditions:
Cardiovascular phenotype. Identifiers: MedGen CN230736.

gnomAD v4.1: 1 of 1,613,770 alleles (0.000062%); highest among the groups gnomAD compares: Non-Finnish European, 0.000085%; no homozygotes.

Submission:

Ambry Genetics
Classification: Uncertain significance for Cardiovascular phenotype. Last evaluated: 2023-03-05. Review status: criteria provided, single submitter. Criteria: Ambry Variant Classification Scheme 2023. Collection method: clinical testing. Allele origin: germline.
Comment: The p.E3695D variant (also known as c.11085G>C), located in coding exon 42 of the ANK2 gene, results from a G to C substitution at nucleotide position 11085. The glutamic acid at codon 3695 is replaced by aspartic acid, an amino acid with highly similar properties. This amino acid position is conserved. In addition, this alteration is predicted to be tolerated by in silico analysis. Since supporting evidence is limited at this time, the clinical significance of this alteration remains unclear.